The following is an entry in ClinVar:

ClinVar aggregate classification (germline): Pathogenic (1 of 4 stars; one submission).

Conditions:
Glycine encephalopathy. Also called: Nonketotic hyperglycinemia; Non-ketotic hyperglycinemia. Identifiers: Orphanet 407, MedGen C0751748, MONDO:0011612, HP:0008288.

Submission:

Labcorp Genetics (formerly Invitae), Labcorp
Classification: Pathogenic for Glycine encephalopathy. Last evaluated: 2023-05-02. Review status: criteria provided, single submitter. Criteria: Invitae Variant Classification Sherloc (09022015). Collection method: clinical testing. Allele origin: germline.
Comment: For these reasons, this variant has been classified as Pathogenic. Algorithms developed to predict the effect of sequence changes on RNA splicing suggest that this variant may create or strengthen a splice site. This premature translational stop signal has been observed in individual(s) with nonketotic hyperglycinemia (PMID: 27164344). This variant is not present in population databases (gnomAD no frequency). This sequence change creates a premature translational stop signal (p.Gln189*) in the AMT gene. It is expected to result in an absent or disrupted protein product. Loss-of-function variants in AMT are known to be pathogenic (PMID: 16450403).

Literature cited by the submitters: PubMed 27164344; PubMed 16450403.

NM_000481.4(AMT):c.565C>T (p.Gln189Ter)

Gene: AMT (aminomethyltransferase; minus strand). Cytogenetic location: 3p21.31.
Variant type: single nucleotide variant.
Coding change: c.565C>T on transcript NM_000481.4 (MANE Select); coding-DNA position 565, C replaced by T.
Protein change: p.Gln189Ter; replaces glutamine 189 with a stop codon.
Molecular consequence: nonsense. On other transcripts: non-coding transcript variant (1).
Genome position (GRCh38, 1-based): chr3:49,419,391, G>A on the plus strand (C>T on the coding strand, the complement: AMT is on the minus strand). VCF-style: chr3-49419391-G-A. GRCh37 (hg19) VCF-style: chr3-49456824-G-A.
Other names: c.433C>T, p.Gln145Ter (NM_001164710.2); c.397C>T, p.Gln133Ter (NM_001164711.2); c.565C>T, p.Gln189Ter (NM_001164712.2); short protein forms Q145*, Q189*, Q133*.
Identifiers: ClinVar variation 2734536 (VCV002734536.3), dbSNP rs2049060862, ClinGen allele CA352790308.
Genomic context (GRCh38, chr3:49,419,391, plus strand): 5'-CAGCACTGGTCATGAAGGGCAGTTTCCTCAGGTCATCTGCCACGCCGGCCTGTAGTACCT[G>A]GGCTGCAGTGGGGCCTGGGCCCAGGGAGCCAGTGACCAAGTATCCAGGTCCCAGCATCCC-3'